The following is an entry in ClinVar:

ClinVar aggregate classification (germline): Uncertain significance (1 of 4 stars; one submission).

Allele frequency attached by ClinVar (database versions not stated): gnomAD exomes below 0.00001 and 0.00001; gnomAD 0.00003 and 0.00004; TOPMed 0.00007.
gnomAD v4.1: 12 of 1,613,828 alleles (0.00074%); highest among the groups gnomAD compares: Admixed American, 0.01%; no homozygotes.

Submission:

Greenwood Genetic Center Diagnostic Laboratories, Greenwood Genetic Center
Classification: Uncertain significance. Last evaluated: 2021-03-12. Review status: criteria provided, single submitter. Criteria: ACMG Guidelines, 2015. Collection method: clinical testing. Allele origin: germline. Affected: yes.
Comment: PP4 PM2

NM_000387.6(SLC25A20):c.163A>G (p.Thr55Ala)

Gene: SLC25A20 (solute carrier family 25 member 20; minus strand). Cytogenetic location: 3p21.31.
Variant type: single nucleotide variant.
Coding change: c.163A>G on transcript NM_000387.6 (MANE Select); coding-DNA position 163, A replaced by G.
Protein change: p.Thr55Ala; replaces threonine 55 with alanine.
Molecular consequence: missense variant.
Genome position (GRCh38, 1-based): chr3:48,892,015, T>C on the plus strand (A>G on the coding strand, the complement: SLC25A20 is on the minus strand). VCF-style: chr3-48892015-T-C. GRCh37 (hg19) VCF-style: chr3-48929448-T-C.
Other names: short protein forms T55A.
Identifiers: ClinVar variation 1331616 (VCV001331616.4), dbSNP rs1002978497, ClinGen allele CA73998473.